The following is an entry in ClinVar:

NM_000081.4(LYST):c.6413C>T (p.Thr2138Ile)

Gene: LYST (lysosomal trafficking regulator; minus strand). Cytogenetic location: 1q42.3.
Variant type: single nucleotide variant.
Coding change: c.6413C>T on transcript NM_000081.4 (MANE Select); coding-DNA position 6413, C replaced by T.
Protein change: p.Thr2138Ile; replaces threonine 2138 with isoleucine.
Molecular consequence: missense variant.
Genome position (GRCh38, 1-based): chr1:235,759,440, G>A on the plus strand (C>T on the coding strand, the complement: LYST is on the minus strand). VCF-style: chr1-235759440-G-A. GRCh37 (hg19) VCF-style: chr1-235922740-G-A.
Other names: p.Thr2138Ile; c.6413C>T, p.Thr2138Ile (NM_001301365.1); short protein forms T2138I.
Identifiers: ClinVar variation 1059560 (VCV001059560.3), dbSNP rs767774418, ClinGen allele CA1466379.

ClinVar aggregate classification (germline): Uncertain significance. Review status: criteria provided, multiple submitters, no conflicts (2 of 4 stars). 2 submissions from 2 submitters: Uncertain significance (2). Last evaluated 2024-10-23.

Conditions:
Chédiak-Higashi syndrome (CHS). Also called: Chediak-Higashi Syndrome. Identifiers: Orphanet 167, MedGen C0007965, MONDO:0008963, OMIM 214500.

Allele frequency attached by ClinVar (database versions not stated): ExAC 0.00001; gnomAD exomes 0.00001; gnomAD 0.00005; TOPMed 0.00008.
gnomAD v4.1: 18 of 1,613,976 alleles (0.0011%); highest among the groups gnomAD compares: African/African-American, 0.021%; no homozygotes.

Submissions (2):

Mayo Clinic Laboratories, Mayo Clinic
Classification: Uncertain significance. Last evaluated: 2024-10-23. Review status: criteria provided, single submitter. Criteria: ACMG Guidelines, 2015. Collection method: clinical testing. Allele origin: germline. Observed: 1 variant allele.
Comment: BP4

Labcorp Genetics (formerly Invitae), Labcorp
Classification: Uncertain significance for Chédiak-Higashi syndrome. Last evaluated: 2022-06-20. Review status: criteria provided, single submitter. Criteria: Invitae Variant Classification Sherloc (09022015). Collection method: clinical testing. Allele origin: germline.
Comment: This sequence change replaces threonine, which is neutral and polar, with isoleucine, which is neutral and non-polar, at codon 2138 of the LYST protein (p.Thr2138Ile). This variant is present in population databases (rs767774418, gnomAD 0.02%). This variant has not been reported in the literature in individuals affected with LYST-related conditions. ClinVar contains an entry for this variant (Variation ID: 1059560). Algorithms developed to predict the effect of missense changes on protein structure and function (SIFT, PolyPhen-2, Align-GVGD) all suggest that this variant is likely to be tolerated. In summary, the available evidence is currently insufficient to determine the role of this variant in disease. Therefore, it has been classified as a Variant of Uncertain Significance.